The following is an entry in ClinVar:

NM_001130438.3(SPTAN1):c.7330G>A (p.Asp2444Asn)

Gene: SPTAN1 (spectrin alpha, non-erythrocytic 1; plus strand). Cytogenetic location: 9q34.11.
Variant type: single nucleotide variant.
Coding change: c.7330G>A on transcript NM_001130438.3 (MANE Select); coding-DNA position 7330, G replaced by A.
Protein change: p.Asp2444Asn; replaces aspartic acid 2444 with asparagine.
Molecular consequence: missense variant.
Genome position (GRCh38, 1-based): chr9:128,633,230, G>A. VCF-style: chr9-128633230-G-A. GRCh37 (hg19) VCF-style: chr9-131395509-G-A.
Other names: c.7255G>A, p.Asp2419Asn (NM_001195532.2); c.7393G>A, p.Asp2465Asn (NM_001363759.2); c.7270G>A, p.Asp2424Asn (NM_001363765.2); c.7315G>A, p.Asp2439Asn (NM_003127.4); short protein forms D2444N, D2439N, D2465N, D2419N, D2424N.
Identifiers: ClinVar variation 207364 (VCV000207364.11), dbSNP rs147149360, ClinGen allele CA318757.

ClinVar aggregate classification (germline): Likely benign. Review status: criteria provided, multiple submitters, no conflicts (2 of 4 stars). 2 submissions from 2 submitters: Likely benign (2). Last evaluated 2026-08-01.

Conditions:
Early-infantile DEE. Also called: Ohtahara syndrome; Early infantile epileptic encephalopathy with suppression bursts; Early infantile epileptic encephalopathy. Identifiers: Orphanet 1934, MedGen C0393706, MONDO:0800491.

Allele frequency attached by ClinVar (database versions not stated): ESP Exome Variant Server 0.00015; ExAC 0.00002; gnomAD exomes 0.00002; TOPMed 0.00003; gnomAD 0.00007.
gnomAD v4.1: 46 of 1,613,936 alleles (0.0029%); highest among the groups gnomAD compares: East Asian, 0.0089%; no homozygotes.

Submissions (2):

CeGaT Center for Human Genetics Tuebingen
Classification: Likely benign. Last evaluated: 2026-08-01. Review status: criteria provided, single submitter. Criteria: CeGaT Center For Human Genetics Tuebingen Variant Classification Criteria Version 2. Collection method: clinical testing. Allele origin: germline. Affected: yes. Observed: 1 variant allele.
Comment: SPTAN1: BS1

Labcorp Genetics (formerly Invitae), Labcorp
Classification: Likely benign for Early-infantile DEE. Last evaluated: 2024-02-24. Review status: criteria provided, single submitter. Criteria: Invitae Variant Classification Sherloc (09022015). Collection method: clinical testing. Allele origin: germline.